The following is an entry in ClinVar:

NM_001042413.2(GLIS3):c.1117C>G (p.Leu373Val)

Gene: GLIS3 (GLIS family zinc finger 3; minus strand). Cytogenetic location: 9p24.2.
Variant type: single nucleotide variant.
Coding change: c.1117C>G on transcript NM_001042413.2 (MANE Select); coding-DNA position 1117, C replaced by G.
Protein change: p.Leu373Val; replaces leucine 373 with valine.
Molecular consequence: missense variant.
Genome position (GRCh38, 1-based): chr9:4,118,361, G>C on the plus strand (C>G on the coding strand, the complement: GLIS3 is on the minus strand). VCF-style: chr9-4118361-G-C. GRCh37 (hg19) VCF-style: chr9-4118361-G-C.
Other names: c.652C>G, p.Leu218Val (NM_152629.4); short protein forms L218V, L373V.
Identifiers: ClinVar variation 722791 (VCV000722791.37), dbSNP rs200263979, ClinGen allele CA4968300.

ClinVar aggregate classification (germline): Conflicting classifications of pathogenicity. Review status: criteria provided, conflicting classifications (1 of 4 stars). 5 submissions from 5 submitters: Uncertain significance (1); Benign (3); Likely benign (1). Last evaluated 2025-08-18.

Conditions:
Neonatal diabetes mellitus with congenital hypothyroidism. Also called: NDH SYNDROME. Identifiers: Orphanet 79118, MedGen C1857775, MONDO:0012436, OMIM 610199.

Allele frequency attached by ClinVar (database versions not stated): TOPMed 0.00023; ESP Exome Variant Server 0.00029; 1000 Genomes Project 30x 0.00047; 1000 Genomes Project 0.00060; gnomAD exomes 0.00095; ExAC 0.00184; gnomAD 0.00252.
gnomAD v4.1: 968 of 1,587,850 alleles (0.061%); highest among the groups gnomAD compares: Non-Finnish European, 0.03%; 3 homozygotes.

Submissions (5):

Labcorp Genetics (formerly Invitae), Labcorp
Classification: Benign. Last evaluated: 2025-08-18. Review status: criteria provided, single submitter. Criteria: Invitae Variant Classification Sherloc (09022015). Collection method: clinical testing. Allele origin: germline.

CeGaT Center for Human Genetics Tuebingen
Classification: Benign. Last evaluated: 2025-07-01. Review status: criteria provided, single submitter. Criteria: CeGaT Center For Human Genetics Tuebingen Variant Classification Criteria Version 2. Collection method: clinical testing. Allele origin: germline. Affected: yes. Observed: 2 variant alleles.
Comment: GLIS3: BP4, BS1, BS2

Laboratory of Genetics, Children's Clinical University Hospital Latvia
Classification: Benign. Last evaluated: 2025-02-16. Review status: criteria provided, single submitter. Criteria: ACMG Guidelines, 2015. Collection method: clinical testing. Allele origin: germline. Affected: yes.

Blueprint Genetics
Classification: Likely benign. Last evaluated: 2024-11-23. Review status: criteria provided, single submitter. Criteria: ACMG Guidelines, 2015. Collection method: clinical testing. Allele origin: germline.

Illumina Laboratory Services, Illumina
Classification: Uncertain significance for Neonatal diabetes mellitus with congenital hypothyroidism. Last evaluated: 2018-01-13. Review status: criteria provided, single submitter. Criteria: ICSL Variant Classification Criteria 13 December 2019. Collection method: clinical testing. Allele origin: germline.